The following is an entry in ClinVar:

ClinVar aggregate classification (germline): Uncertain significance (1 of 4 stars; one submission).

Conditions:
Immunodeficiency 51 (IMD51). Also called: CANDIDIASIS, FAMILIAL, 5. Identifiers: Orphanet 1334, MedGen C4310803, MONDO:0013500, OMIM 613953.

Allele frequency attached by ClinVar (database versions not stated): ExAC below 0.00001; gnomAD 0.00003; TOPMed 0.00004; gnomAD exomes 0.00009 and 0.00012.
gnomAD v4.1: 155 of 1,398,628 alleles (0.011%); highest among the groups gnomAD compares: Non-Finnish European, 0.014%; no homozygotes.

Submission:

Labcorp Genetics (formerly Invitae), Labcorp
Classification: Uncertain significance for Immunodeficiency 51. Last evaluated: 2021-09-01. Review status: criteria provided, single submitter. Criteria: Invitae Variant Classification Sherloc (09022015). Collection method: clinical testing. Allele origin: germline.
Comment: This sequence change replaces serine with phenylalanine at codon 9 of the IL17RA protein (p.Ser9Phe). The serine residue is weakly conserved and there is a large physicochemical difference between serine and phenylalanine. The frequency data for this variant in the population databases is considered unreliable, as metrics indicate poor data quality at this position in the ExAC database. This variant has not been reported in the literature in individuals affected with IL17RA-related conditions. In summary, the available evidence is currently insufficient to determine the role of this variant in disease. Therefore, it has been classified as a Variant of Uncertain Significance.

NM_014339.7(IL17RA):c.26C>T (p.Ser9Phe)

Genes: IL17RA (interleukin 17 receptor A; plus strand), LOC130066894 (ATAC-STARR-seq lymphoblastoid silent region 13430; plus strand). Cytogenetic location: 22q11.1.
Variant type: single nucleotide variant.
Coding change: c.26C>T on transcript NM_014339.7 (MANE Select); coding-DNA position 26, C replaced by T.
Protein change: p.Ser9Phe; replaces serine 9 with phenylalanine.
Molecular consequence: missense variant.
Genome position (GRCh38, 1-based): chr22:17,085,117, C>T. VCF-style: chr22-17085117-C-T. GRCh37 (hg19) VCF-style: chr22-17566007-C-T.
Other names: c.26C>T, p.Ser9Phe (NM_001289905.2); short protein forms S9F.
Identifiers: ClinVar variation 642975 (VCV000642975.8), dbSNP rs752407403, ClinGen allele CA10086206.